The following is an entry in ClinVar:

ClinVar aggregate classification (germline): Uncertain significance. Review status: criteria provided, multiple submitters, no conflicts (2 of 4 stars). 2 submissions from 2 submitters: Uncertain significance (2). Last evaluated 2024-10-22.

gnomAD v4.1: 15 of 1,613,940 alleles (0.00093%); highest among the groups gnomAD compares: East Asian, 0.0022%; no homozygotes.

Submissions (2):

Labcorp Genetics (formerly Invitae), Labcorp
Classification: Uncertain significance. Last evaluated: 2024-10-22. Review status: criteria provided, single submitter. Criteria: Invitae Variant Classification Sherloc (09022015). Collection method: clinical testing. Allele origin: germline.
Comment: This sequence change replaces threonine, which is neutral and polar, with lysine, which is basic and polar, at codon 253 of the PDE6A protein (p.Thr253Lys). This variant is present in population databases (no rsID available, gnomAD 0.002%). This variant has not been reported in the literature in individuals affected with PDE6A-related conditions. ClinVar contains an entry for this variant (Variation ID: 1363443). Invitae Evidence Modeling of protein sequence and biophysical properties (such as structural, functional, and spatial information, amino acid conservation, physicochemical variation, residue mobility, and thermodynamic stability) has been performed for this missense variant. However, the output from this modeling did not meet the statistical confidence thresholds required to predict the impact of this variant on PDE6A protein function. In summary, the available evidence is currently insufficient to determine the role of this variant in disease. Therefore, it has been classified as a Variant of Uncertain Significance.

Blueprint Genetics
Classification: Uncertain significance. Last evaluated: 2024-05-06. Review status: criteria provided, single submitter. Criteria: ACMG Guidelines, 2015. Collection method: clinical testing. Allele origin: germline.

NM_000440.3(PDE6A):c.758C>A (p.Thr253Lys)

Gene: PDE6A (phosphodiesterase 6A; minus strand). Cytogenetic location: 5q32.
Variant type: single nucleotide variant.
Coding change: c.758C>A on transcript NM_000440.3 (MANE Select); coding-DNA position 758, C replaced by A.
Protein change: p.Thr253Lys; replaces threonine 253 with lysine.
Molecular consequence: missense variant.
Genome position (GRCh38, 1-based): chr5:149,931,128, G>T on the plus strand (C>A on the coding strand, the complement: PDE6A is on the minus strand). VCF-style: chr5-149931128-G-T. GRCh37 (hg19) VCF-style: chr5-149310691-G-T.
Other names: short protein forms T253K.
Identifiers: ClinVar variation 1363443 (VCV001363443.8), dbSNP rs778857421, ClinGen allele CA361696589.